The following is an entry in ClinVar:

NM_002485.5(NBN):c.305T>G (p.Phe102Cys)

Gene: NBN (nibrin; minus strand). Cytogenetic location: 8q21.3.
Variant type: single nucleotide variant.
Coding change: c.305T>G on transcript NM_002485.5 (MANE Select); coding-DNA position 305, T replaced by G.
Protein change: p.Phe102Cys; replaces phenylalanine 102 with cysteine.
Molecular consequence: missense variant.
Genome position (GRCh38, 1-based): chr8:89,981,390, A>C on the plus strand (T>G on the coding strand, the complement: NBN is on the minus strand). VCF-style: chr8-89981390-A-C. GRCh37 (hg19) VCF-style: chr8-90993618-A-C.
Other names: c.59T>G, p.Phe20Cys (NM_001024688.3); short protein forms F102C, F20C.
Identifiers: ClinVar variation 1799363 (VCV001799363.2), dbSNP rs2488360039, ClinGen allele CA371662317.

ClinVar aggregate classification (germline): Uncertain significance (1 of 4 stars; one submission).

Conditions:
Hereditary cancer-predisposing syndrome. Also called: Neoplastic Syndromes, Hereditary; Tumor predisposition; Hereditary Cancer Syndrome; Hereditary neoplastic syndrome. Identifiers: Orphanet 140162, MedGen C0027672, MeSH D009386, MONDO:0015356.

Submission:

Ambry Genetics
Classification: Uncertain significance for Hereditary cancer-predisposing syndrome. Last evaluated: 2022-08-07. Review status: criteria provided, single submitter. Criteria: Ambry Variant Classification Scheme 2023. Collection method: clinical testing. Allele origin: germline.
Comment: The p.F102C variant (also known as c.305T>G), located in coding exon 3 of the NBN gene, results from a T to G substitution at nucleotide position 305. The phenylalanine at codon 102 is replaced by cysteine, an amino acid with highly dissimilar properties. This amino acid position is conserved. In addition, this alteration is predicted to be deleterious by in silico analysis. Since supporting evidence is limited at this time, the clinical significance of this alteration remains unclear.